The following is an entry in ClinVar:

NM_001244008.2(KIF1A):c.4319-1G>A

Gene: KIF1A (kinesin family member 1A; minus strand). Cytogenetic location: 2q37.3.
Variant type: single nucleotide variant.
Coding change: c.4319-1G>A on transcript NM_001244008.2 (MANE Select); the canonical splice acceptor site of the intron before coding-DNA position 4319, G replaced by A.
Molecular consequence: splice acceptor variant.
Genome position (GRCh38, 1-based): chr2:240,723,559, C>T on the plus strand (G>A on the coding strand, the complement: KIF1A is on the minus strand). VCF-style: chr2-240723559-C-T. GRCh37 (hg19) VCF-style: chr2-241662976-C-T.
Other names: c.4016-1G>A (NM_001379653.1, NM_001379650.1, NM_001379641.1 and 2 more transcripts); c.4292-1G>A (NM_001379645.1, NM_001379633.1); c.4142-1G>A (NM_001379635.1, NM_001379646.1); c.4013-1G>A (NM_001379640.1); c.4040-1G>A (NM_001379639.1); c.4043-1G>A (NM_001379649.1, NM_001320705.2); c.4130-1G>A (NM_001379636.1); c.4295-1G>A (NM_001379632.1); and 7 more.
Identifiers: ClinVar variation 3749395 (VCV003749395.2).

ClinVar aggregate classification (germline): Likely pathogenic (1 of 4 stars; one submission).

Conditions:
Neuropathy, hereditary sensory, type 2C. Also called: KIF1A-Related HSAN2 (HSAN2C); Hereditary sensory and autonomic neuropathy type IIC. Identifiers: Orphanet 970, MedGen C3280168, MONDO:0013634, OMIM 614213.
Hereditary spastic paraplegia 30. Identifiers: Orphanet 101010, MedGen C5235139, MONDO:0012476.
Intellectual disability, autosomal dominant 9 (NESCAVS). Also called: KIF1A-Related Neurodevelopmental Disorder; NESCAV SYNDROME. Identifiers: Orphanet 662367, MedGen C5393830, MONDO:0013656, OMIM 614255.

Submission:

Labcorp Genetics (formerly Invitae), Labcorp
Classification: Likely pathogenic for Hereditary spastic paraplegia 30; Neuropathy, hereditary sensory, type 2C; Intellectual disability, autosomal dominant 9. Last evaluated: 2024-07-23. Review status: criteria provided, single submitter. Criteria: Invitae Variant Classification Sherloc (09022015). Collection method: clinical testing. Allele origin: germline.
Comment: This sequence change affects an acceptor splice site in intron 38 of the KIF1A gene. It is expected to disrupt RNA splicing. Variants that disrupt the donor or acceptor splice site typically lead to a loss of protein function (PMID: 16199547), and loss-of-function variants in KIF1A are known to be pathogenic (PMID: 21820098). This variant is not present in population databases (gnomAD no frequency). This variant has not been reported in the literature in individuals affected with KIF1A-related conditions. Algorithms developed to predict the effect of sequence changes on RNA splicing suggest that this variant may disrupt the consensus splice site. In summary, the currently available evidence indicates that the variant is pathogenic, but additional data are needed to prove that conclusively. Therefore, this variant has been classified as Likely Pathogenic.

Literature cited by the submitters: PubMed 16199547; PubMed 21820098.